The following is an entry in ClinVar:

ClinVar aggregate classification (germline): Uncertain significance. Review status: criteria provided, single submitter (1 of 4 stars). 2 submissions from 2 submitters: Uncertain significance (1). 1 of the submissions does not count toward it. Last evaluated 2020-11-25.

Conditions:
Charcot-Marie-Tooth disease. Also called: Charcot-Marie-Tooth Neuropathy; Charcot-Marie-Tooth Hereditary Neuropathy. Identifiers: Orphanet 166, MedGen C0007959, MONDO:0015626.
Charcot-Marie-Tooth disease type 4. Also called: Charcot-Marie-Tooth, Type 4; Charcot-Marie-Tooth disease, type IV. Identifiers: Orphanet 64749, MedGen C4082197, MONDO:0018995.

Allele frequency attached by ClinVar (database versions not stated): TOPMed below 0.00001; gnomAD 0.00001; gnomAD exomes 0.00001.
gnomAD v4.1: 9 of 1,613,776 alleles (0.00056%); highest among the groups gnomAD compares: East Asian, 0.0022%; no homozygotes.

Submissions (2):

Labcorp Genetics (formerly Invitae), Labcorp
Classification: Uncertain significance for Charcot-Marie-Tooth disease type 4. Last evaluated: 2020-11-25. Review status: criteria provided, single submitter. Criteria: Invitae Variant Classification Sherloc (09022015). Collection method: clinical testing. Allele origin: germline.
Comment: In summary, this variant is a rare missense change with uncertain impact on protein function. While it is absent from the population and reported in an affected individual, the available evidence is currently insufficient to determine its role in disease. Therefore, it has been classified as a Variant of Uncertain Significance. Algorithms developed to predict the effect of missense changes on protein structure and function do not agree on the potential impact of this missense change (SIFT: "Tolerated"; PolyPhen-2: "Probably Damaging"; Align-GVGD: "Class C0"). This variant has been reported as heterozygous in an individual affected with Charcot-Marie-Tooth disease (PMID: 21291453). This variant is not present in population databases (ExAC no frequency). This sequence change replaces arginine with glutamine at codon 227 of the SH3TC2 protein (p.Arg227Gln). The arginine residue is highly conserved and there is a small physicochemical difference between arginine and glutamine.

Inherited Neuropathy Consortium
Classification: Uncertain significance for Charcot-Marie-Tooth disease. Review status: no assertion criteria provided. Collection method: literature only. Allele origin: germline. Affected: yes. Not counted in ClinVar's aggregate classification.

Literature cited by the submitters: PubMed 21291453 (cited by Labcorp Genetics (formerly Invitae), Labcorp and Inherited Neuropathy Consortium).

NM_024577.4(SH3TC2):c.680G>A (p.Arg227Gln)

Gene: SH3TC2 (SH3 domain and tetratricopeptide repeats 2; minus strand). Cytogenetic location: 5q32.
Variant type: single nucleotide variant.
Coding change: c.680G>A on transcript NM_024577.4 (MANE Select); coding-DNA position 680, G replaced by A.
Protein change: p.Arg227Gln; replaces arginine 227 with glutamine.
Molecular consequence: missense variant.
Genome position (GRCh38, 1-based): chr5:149,041,467, C>T on the plus strand (G>A on the coding strand, the complement: SH3TC2 is on the minus strand). VCF-style: chr5-149041467-C-T. GRCh37 (hg19) VCF-style: chr5-148421030-C-T.
Other names: short protein forms R227Q.
Identifiers: ClinVar variation 476910 (VCV000476910.8), dbSNP rs1257812868, ClinGen allele CA361674329.